The following is an entry in ClinVar:

NM_052874.5(STX1B):c.652A>G (p.Met218Val)

Gene: STX1B (syntaxin 1B; minus strand). Cytogenetic location: 16p11.2.
Variant type: single nucleotide variant.
Coding change: c.652A>G on transcript NM_052874.5 (MANE Select); coding-DNA position 652, A replaced by G.
Protein change: p.Met218Val; replaces methionine 218 with valine.
Molecular consequence: missense variant.
Genome position (GRCh38, 1-based): chr16:30,993,370, T>C on the plus strand (A>G on the coding strand, the complement: STX1B is on the minus strand). VCF-style: chr16-30993370-T-C. GRCh37 (hg19) VCF-style: chr16-31004691-T-C.
Other names: short protein forms M218V.
Identifiers: ClinVar variation 4768877 (VCV004768877.1).

ClinVar aggregate classification (germline): Uncertain significance (1 of 4 stars; one submission).

Conditions:
Generalized epilepsy with febrile seizures plus, type 9 (GEFSP9). Also called: GEFS+, TYPE 9. Identifiers: Orphanet 36387, MedGen C4015395, MONDO:0014517, OMIM 616172.

gnomAD v4.1: 2 of 1,614,204 alleles (0.00012%); highest among the groups gnomAD compares: Non-Finnish European, 0.00017%; no homozygotes.

Submission:

Labcorp Genetics (formerly Invitae), Labcorp
Classification: Uncertain significance for Generalized epilepsy with febrile seizures plus, type 9. Last evaluated: 2025-12-03. Review status: criteria provided, single submitter. Criteria: Invitae Variant Classification Sherloc (09022015). Collection method: clinical testing. Allele origin: germline.
Comment: This sequence change replaces methionine, which is neutral and non-polar, with valine, which is neutral and non-polar, at codon 218 of the STX1B protein (p.Met218Val). This variant is not present in population databases (gnomAD no frequency). This variant has not been reported in the literature in individuals affected with STX1B-related conditions. Invitae Evidence Modeling of protein sequence and biophysical properties (such as structural, functional, and spatial information, amino acid conservation, physicochemical variation, residue mobility, and thermodynamic stability) indicates that this missense variant is not expected to disrupt STX1B protein function with a negative predictive value of 80%. In summary, the available evidence is currently insufficient to determine the role of this variant in disease. Therefore, it has been classified as a Variant of Uncertain Significance.